The following is an entry in ClinVar:

ClinVar aggregate classification (germline): Uncertain significance (1 of 4 stars; one submission).

Submission:

GeneDx
Classification: Uncertain significance. Last evaluated: 2023-06-19. Review status: criteria provided, single submitter. Criteria: GeneDx Variant Classification Process June 2021. Collection method: clinical testing. Allele origin: germline. Affected: yes.
Comment: Not observed at significant frequency in large population cohorts (gnomAD); In silico analysis supports that this missense variant has a deleterious effect on protein structure/function; Has not been previously published as pathogenic or benign to our knowledge

NM_001348716.2(KDM6B):c.4487C>A (p.Ala1496Asp)

Genes: KDM6B (lysine demethylase 6B; plus strand), LOC121587574 (Sharpr-MPRA regulatory region 3930; plus strand). Cytogenetic location: 17p13.1.
Variant type: single nucleotide variant.
Coding change: c.4487C>A on transcript NM_001348716.2 (MANE Select); coding-DNA position 4487, C replaced by A.
Protein change: p.Ala1496Asp; replaces alanine 1496 with aspartic acid.
Molecular consequence: missense variant.
Genome position (GRCh38, 1-based): chr17:7,852,513, C>A. VCF-style: chr17-7852513-C-A. GRCh37 (hg19) VCF-style: chr17-7755831-C-A.
Other names: c.4487C>A, p.Ala1496Asp (NM_001080424.2); short protein forms A1496D.
Identifiers: ClinVar variation 3359833 (VCV003359833.1).